The following is an entry in ClinVar:

NM_005476.7(GNE):c.1411+5G>A

Gene: GNE (glucosamine (UDP-N-acetyl)-2-epimerase/N-acetylmannosamine kinase; minus strand). Cytogenetic location: 9p13.3.
Variant type: single nucleotide variant.
Coding change: c.1411+5G>A on transcript NM_005476.7 (MANE Select); 5 bases into the intron after coding-DNA position 1411, G replaced by A.
Molecular consequence: intron variant.
Genome position (GRCh38, 1-based): chr9:36,223,368, C>T on the plus strand (G>A on the coding strand, the complement: GNE is on the minus strand). VCF-style: chr9-36223368-C-T. GRCh37 (hg19) VCF-style: chr9-36223365-C-T.
Other names: c.1234+5G>A (NM_001190388.2, NM_001374798.1); c.1504+5G>A (NM_001128227.3); c.1081+5G>A (NM_001190384.3); c.1258+5G>A (NM_001374797.1); c.1411+5G>A (NM_001190383.3).
Identifiers: ClinVar variation 2506251 (VCV002506251.1), dbSNP rs2489630451, ClinGen allele CA2580616197.

ClinVar aggregate classification (germline): Uncertain significance (1 of 4 stars; one submission).

gnomAD v4.1: 2 of 1,611,584 alleles (0.00012%); highest among the groups gnomAD compares: East Asian, 0.0045%; no homozygotes.

Submission:

Women's Health and Genetics/Laboratory Corporation of America, LabCorp
Classification: Uncertain significance. Last evaluated: 2023-05-09. Review status: criteria provided, single submitter. Criteria: LabCorp Variant Classification Summary - May 2015. Collection method: clinical testing. Allele origin: germline.
Comment: Variant summary: GNE c.1504+5G>A alters a conserved nucleotide located close to a canonical splice site and therefore could affect mRNA splicing, leading to a significantly altered protein sequence. Several computational tools predict a significant impact on normal splicing: One predicts the variant abolishes a canonical 5' splicing donor site and two predict the variant weakens the 5' donor site. However, these predictions have yet to be confirmed by functional studies. The variant was absent in 251366 control chromosomes (gnomAD). c.1504+5G>A has been reported in the literature in as a compound heterozygous genotype in two individuals affected with Inclusion Body Myopathy 2 (Cho_2014). These data indicate that the variant may be associated with disease. To our knowledge, no experimental evidence demonstrating an impact on protein function has been reported. The following publication has been ascertained in the context of this evaluation (PMID: 24027297). No clinical diagnostic laboratories have submitted clinical-significance assessments for this variant to ClinVar after 2014. Based on the evidence outlined above, the variant was classified as VUS-possibly pathogenic.

Literature cited by the submitters: PubMed 24027297; PubMed 28505249.